The following is an entry in ClinVar:

NM_001161352.2(KCNMA1):c.105C>A (p.Ser35Arg)

Gene: KCNMA1 (potassium calcium-activated channel subfamily M alpha 1; minus strand). Cytogenetic location: 10q22.3.
Variant type: single nucleotide variant.
Coding change: c.105C>A on transcript NM_001161352.2 (MANE Select); coding-DNA position 105, C replaced by A.
Protein change: p.Ser35Arg; replaces serine 35 with arginine.
Molecular consequence: missense variant.
Genome position (GRCh38, 1-based): chr10:77,637,538, G>T on the plus strand (C>A on the coding strand, the complement: KCNMA1 is on the minus strand). VCF-style: chr10-77637538-G-T. GRCh37 (hg19) VCF-style: chr10-79397296-G-T.
Other names: c.105C>A, p.Ser35Arg (NM_001014797.3, NM_001161353.2, NM_001271518.2 and 13 more transcripts); short protein forms S35R.
Identifiers: ClinVar variation 3897496 (VCV003897496.1).

ClinVar aggregate classification (germline): Uncertain significance (1 of 4 stars; one submission).

gnomAD v4.1: 1 of 1,549,312 alleles (0.000065%); highest among the groups gnomAD compares: Middle Eastern, 0.017%; no homozygotes.

Submission:

GeneDx
Classification: Uncertain significance. Last evaluated: 2024-10-31. Review status: criteria provided, single submitter. Criteria: GeneDx Variant Classification Process June 2021. Collection method: clinical testing. Allele origin: germline. Affected: yes.
Comment: Not observed at significant frequency in large population cohorts (gnomAD); In silico analysis indicates that this missense variant does not alter protein structure/function; Has not been previously published as pathogenic or benign to our knowledge